The following is an entry in ClinVar:

ClinVar aggregate classification (germline): Uncertain significance. Review status: criteria provided, multiple submitters, no conflicts (2 of 4 stars). 2 submissions from 2 submitters: Uncertain significance (2). Last evaluated 2024-03-18.

Conditions:
Inborn genetic diseases. Identifiers: MedGen C0950123, MeSH D030342.

Allele frequency attached by ClinVar (database versions not stated): gnomAD exomes 0.00001; TOPMed 0.00001; ExAC 0.00002.
gnomAD v4.1: 18 of 1,604,644 alleles (0.0011%); highest among the groups gnomAD compares: Non-Finnish European, 0.0015%; no homozygotes.

Submissions (2):

Ambry Genetics
Classification: Uncertain significance for Inborn genetic diseases. Last evaluated: 2024-03-18. Review status: criteria provided, single submitter. Criteria: Ambry Variant Classification Scheme 2023. Collection method: clinical testing. Allele origin: germline.

Labcorp Genetics (formerly Invitae), Labcorp
Classification: Uncertain significance. Last evaluated: 2022-10-13. Review status: criteria provided, single submitter. Criteria: Invitae Variant Classification Sherloc (09022015). Collection method: clinical testing. Allele origin: germline.
Comment: In summary, the available evidence is currently insufficient to determine the role of this variant in disease. Therefore, it has been classified as a Variant of Uncertain Significance. Algorithms developed to predict the effect of missense changes on protein structure and function output the following: SIFT: "Tolerated"; PolyPhen-2: "Benign"; Align-GVGD: "Class C0". The glycine amino acid residue is found in multiple mammalian species, which suggests that this missense change does not adversely affect protein function. ClinVar contains an entry for this variant (Variation ID: 846472). This variant has not been reported in the literature in individuals affected with KIAA1549-related conditions. This variant is present in population databases (rs552493889, gnomAD 0.003%). This sequence change replaces serine, which is neutral and polar, with glycine, which is neutral and non-polar, at codon 587 of the KIAA1549 protein (p.Ser587Gly).

NM_001164665.2(KIAA1549):c.1759A>G (p.Ser587Gly)

Gene: KIAA1549 (KIAA1549; minus strand). Cytogenetic location: 7q34.
Variant type: single nucleotide variant.
Coding change: c.1759A>G on transcript NM_001164665.2 (MANE Select); coding-DNA position 1759, A replaced by G.
Protein change: p.Ser587Gly; replaces serine 587 with glycine.
Molecular consequence: missense variant.
Genome position (GRCh38, 1-based): chr7:138,917,867, T>C on the plus strand (A>G on the coding strand, the complement: KIAA1549 is on the minus strand). VCF-style: chr7-138917867-T-C. GRCh37 (hg19) VCF-style: chr7-138602613-T-C.
Other names: c.1759A>G, p.Ser587Gly (NM_020910.3); short protein forms S587G.
Identifiers: ClinVar variation 846472 (VCV000846472.9), dbSNP rs552493889, ClinGen allele CA4506639.